The following is an entry in ClinVar:

ClinVar aggregate classification (germline): Uncertain significance. Review status: criteria provided, multiple submitters, no conflicts (2 of 4 stars). 2 submissions from 2 submitters: Uncertain significance (2). Last evaluated 2021-06-14.

Conditions:
Nephronophthisis. Also called: Juvenile Nephronophthisis. Identifiers: Orphanet 655, MedGen C0687120, MONDO:0019005, HP:0000090.

Submissions (2):

GeneDx
Classification: Uncertain significance. Last evaluated: 2021-06-14. Review status: criteria provided, single submitter. Criteria: GeneDx Variant Classification Process June 2021. Collection method: clinical testing. Allele origin: germline. Affected: yes.
Comment: This variant is associated with the following publications: (PMID: 27535533)

Labcorp Genetics (formerly Invitae), Labcorp
Classification: Uncertain significance for Nephronophthisis. Last evaluated: 2021-05-05. Review status: criteria provided, single submitter. Criteria: Invitae Variant Classification Sherloc (09022015). Collection method: clinical testing. Allele origin: germline.
Comment: In summary, the available evidence is currently insufficient to determine the role of this variant in disease. Therefore, it has been classified as a Variant of Uncertain Significance. Algorithms developed to predict the effect of missense changes on protein structure and function (SIFT, PolyPhen-2, Align-GVGD) all suggest that this variant is likely to be disruptive, but these predictions have not been confirmed by published functional studies and their clinical significance is uncertain. This variant has not been reported in the literature in individuals with NPHP1-related conditions. This variant is not present in population databases (ExAC no frequency). This sequence change replaces proline with leucine at codon 505 of the NPHP1 protein (p.Pro505Leu). The proline residue is highly conserved and there is a moderate physicochemical difference between proline and leucine.

NM_001128178.3(NPHP1):c.1346C>T (p.Pro449Leu)

Gene: NPHP1 (nephrocystin 1; minus strand). Cytogenetic location: 2q13.
Variant type: single nucleotide variant.
Coding change: c.1346C>T on transcript NM_001128178.3 (MANE Select); coding-DNA position 1346, C replaced by T.
Protein change: p.Pro449Leu; replaces proline 449 with leucine.
Molecular consequence: missense variant.
Genome position (GRCh38, 1-based): chr2:110,146,759, G>A on the plus strand (C>T on the coding strand, the complement: NPHP1 is on the minus strand). VCF-style: chr2-110146759-G-A. GRCh37 (hg19) VCF-style: chr2-110904336-G-A.
Other names: c.1514C>T, p.Pro505Leu (NM_000272.5); c.1157C>T, p.Pro386Leu (NM_001128179.3); c.1343C>T, p.Pro448Leu (NM_001374256.1); c.1346C>T, p.Pro449Leu (NM_001374257.1); c.1511C>T, p.Pro504Leu (NM_207181.4); short protein forms P386L, P448L, P449L, P504L, P505L.
Identifiers: ClinVar variation 1328750 (VCV001328750.9), dbSNP rs2104492226, ClinGen allele CA348087609.